The following is an entry in ClinVar:

ClinVar aggregate classification (germline): Conflicting classifications of pathogenicity. Review status: criteria provided, conflicting classifications (1 of 4 stars). 3 submissions from 3 submitters: Uncertain significance (1); Likely benign (1). 1 of the submissions does not count toward it. Last evaluated 2025-09-03.

Conditions:
DSTYK-related disorder. Also called: DSTYK-related condition.
Congenital anomalies of kidney and urinary tract 1. Also called: Renal hypodysplasia, nonsyndromic, 1; Congenital anomalies of kidney and urinary tract 1, susceptibility to. Identifiers: MedGen C1835826, MONDO:0012561, OMIM 610805.

Allele frequency attached by ClinVar (database versions not stated): ESP Exome Variant Server 0.00154; gnomAD exomes 0.00015 and 0.00033; ExAC 0.00036; 1000 Genomes Project 30x 0.00094; 1000 Genomes Project 0.00100; gnomAD 0.00125 and 0.00139; TOPMed 0.00139.
gnomAD v4.1: 410 of 1,614,004 alleles (0.025%); highest among the groups gnomAD compares: African/African-American, 0.39%; 1 homozygote.

Submissions (3):

Labcorp Genetics (formerly Invitae), Labcorp
Classification: Likely benign. Last evaluated: 2025-09-03. Review status: criteria provided, single submitter. Criteria: Invitae Variant Classification Sherloc (09022015). Collection method: clinical testing. Allele origin: germline.

Lupski Lab, Baylor-Hopkins CMG, Baylor College of Medicine
Classification: Uncertain significance for Congenital anomalies of kidney and urinary tract 1. Review status: criteria provided, single submitter. Criteria: Bekheirnia et al. (Genet Med. 2016). Collection method: research. Allele origin: unknown. Inheritance: Autosomal dominant inheritance. Affected: yes. Observed: 1 heterozygote.

PreventionGenetics, part of Exact Sciences
Classification: Likely benign for DSTYK-related condition. Last evaluated: 2022-07-08. Review status: no assertion criteria provided. Collection method: clinical testing. Allele origin: germline. Not counted in ClinVar's aggregate classification.
Comment: This variant is classified as likely benign based on ACMG/AMP sequence variant interpretation guidelines (Richards et al. 2015 PMID: 25741868, with internal and published modifications).

NM_015375.3(DSTYK):c.1775G>A (p.Arg592Gln)

Gene: DSTYK (dual serine/threonine and tyrosine protein kinase; minus strand). Cytogenetic location: 1q32.1.
Variant type: single nucleotide variant.
Coding change: c.1775G>A on transcript NM_015375.3 (MANE Select); coding-DNA position 1775, G replaced by A.
Protein change: p.Arg592Gln; replaces arginine 592 with glutamine.
Molecular consequence: missense variant.
Genome position (GRCh38, 1-based): chr1:205,162,079, C>T on the plus strand (G>A on the coding strand, the complement: DSTYK is on the minus strand). VCF-style: chr1-205162079-C-T. GRCh37 (hg19) VCF-style: chr1-205131207-C-T.
Other names: c.1775G>A (NM_015375.2); c.1775G>A, p.Arg592Gln (NM_199462.3); short protein forms R592Q.
Identifiers: ClinVar variation 224356 (VCV000224356.8), dbSNP rs148815814, ClinGen allele CA1352764.